The following is an entry in ClinVar:

NM_005050.4(ABCD4):c.502C>A (p.Pro168Thr)

Gene: ABCD4 (ATP binding cassette subfamily D member 4; minus strand). Cytogenetic location: 14q24.3.
Variant type: single nucleotide variant.
Coding change: c.502C>A on transcript NM_005050.4 (MANE Select); coding-DNA position 502, C replaced by A.
Protein change: p.Pro168Thr; replaces proline 168 with threonine.
Molecular consequence: missense variant. On other transcripts: synonymous variant (3), 5 prime UTR variant (9), non-coding transcript variant (10).
Genome position (GRCh38, 1-based): chr14:74,296,373, G>T on the plus strand (C>A on the coding strand, the complement: ABCD4 is on the minus strand). VCF-style: chr14-74296373-G-T. GRCh37 (hg19) VCF-style: chr14-74763076-G-T.
Other names: c.502C>A, p.Pro168Thr (NM_001353591.2, NM_001353592.2, NM_020325.3); c.241C>A, p.Pro81Thr (NM_001353593.2, NM_001353594.2); c.93C>A, p.Pro31= (NM_001353595.2, NM_001353596.2, NM_001353597.2); c.25C>A, p.Pro9Thr (NM_001353598.2, NM_001353599.2, NM_001353600.2 and 2 more transcripts); c.-188C>A (NM_001353602.2, NM_001353608.2); c.-193C>A (NM_001353603.2, NM_001353604.2, NM_001353605.2 and 4 more transcripts); short protein forms P168T, P9T, P81T.
Identifiers: ClinVar variation 388292 (VCV000388292.2), dbSNP rs1057523057, ClinGen allele CA16606874.

ClinVar aggregate classification (germline): Uncertain significance (1 of 4 stars; one submission).

Allele frequency attached by ClinVar (database versions not stated): TOPMed below 0.00001.

Submission:

GeneDx
Classification: Uncertain significance. Last evaluated: 2016-08-09. Review status: criteria provided, single submitter. Criteria: GeneDx Variant Classification (06012015). Collection method: clinical testing. Allele origin: germline. Affected: yes.
Comment: The P168T variant in the ABCD4 gene has not been reported previously as a pathogenic variant, nor as a benign variant, to our knowledge. The P168T variant was not observed in approximately 6,500 individuals of European and African American ancestry in the NHLBI Exome Sequencing Project, indicating it is not a common benign variant in these populations. The P168T variant is a non-conservative amino acid substitution, which is likely to impact secondary protein structure as these residues differ in polarity, charge, size and/or other properties. This substitution occurs at a position that is conserved across species. In silico analysis predicts this variant is probably damaging to the protein structure/function. We interpret P168T as a variant of uncertain significance.